The following is an entry in ClinVar:

ClinVar aggregate classification (germline): Likely benign. Review status: criteria provided, multiple submitters, no conflicts (2 of 4 stars). 3 submissions from 3 submitters: Likely benign (3). Last evaluated 2025-09-30.

Conditions:
PDE6B-related disorder. Also called: PDE6B-related disorders; PDE6B-related disease; PDE6B-related condition.
Retinal dystrophy. Also called: Inherited retinal dystrophy. Identifiers: Orphanet 71862, MedGen C0854723, MeSH D058499, MONDO:0019118, HP:0000556.

Allele frequency attached by ClinVar (database versions not stated): gnomAD exomes 0.00001 and 0.00003; TOPMed 0.00001; ExAC 0.00002.
gnomAD v4.1: 14 of 1,613,346 alleles (0.00087%); highest among the groups gnomAD compares: East Asian, 0.025%; no homozygotes.

Submissions (3):

PreventionGenetics, part of Exact Sciences
Classification: Likely benign for PDE6B-related condition. Last evaluated: 2025-09-30. Review status: criteria provided, single submitter. Criteria: ACMG Guidelines, 2015. Collection method: clinical testing. Allele origin: germline.
Comment: This variant is classified as likely benign based on ACMG/AMP sequence variant interpretation guidelines (Richards et al. 2015 PMID: 25741868, with internal and published modifications).

Labcorp Genetics (formerly Invitae), Labcorp
Classification: Likely benign. Last evaluated: 2024-05-10. Review status: criteria provided, single submitter. Criteria: Invitae Variant Classification Sherloc (09022015). Collection method: clinical testing. Allele origin: germline.

Dept Of Ophthalmology, Nagoya University
Classification: Likely benign for Retinal dystrophy. Last evaluated: 2023-10-01. Review status: criteria provided, single submitter. Criteria: Submitter's publication. Collection method: research. Allele origin: germline. Affected: yes.

NM_000283.4(PDE6B):c.2409T>C (p.Asn803=)

Gene: PDE6B (phosphodiesterase 6B; plus strand). Cytogenetic location: 4p16.3.
Variant type: single nucleotide variant.
Coding change: c.2409T>C on transcript NM_000283.4 (MANE Select); coding-DNA position 2409, T replaced by C.
Protein change: p.Asn803=; no amino-acid change (asparagine 803 retained).
Molecular consequence: synonymous variant.
Genome position (GRCh38, 1-based): chr4:667,912, T>C. VCF-style: chr4-667912-T-C. GRCh37 (hg19) VCF-style: chr4-661701-T-C.
Other names: c.2409T>C (NM_000283.3); c.2409T>C, p.Asn803= (NM_001145291.2); c.1572T>C, p.Asn524= (NM_001145292.2, NM_001350154.3, NM_001379246.1 and 1 more transcripts); c.1254T>C, p.Asn418= (NM_001350155.3).
Identifiers: ClinVar variation 1642994 (VCV001642994.10), dbSNP rs200002559, ClinGen allele CA2795052.